The following is an entry in ClinVar:

ClinVar aggregate classification (germline): Uncertain significance (1 of 4 stars; one submission).

Submission:

Labcorp Genetics (formerly Invitae), Labcorp
Classification: Uncertain significance. Last evaluated: 2025-11-05. Review status: criteria provided, single submitter. Criteria: Invitae Variant Classification Sherloc (09022015). Collection method: clinical testing. Allele origin: germline.
Comment: This sequence change replaces asparagine, which is neutral and polar, with serine, which is neutral and polar, at codon 562 of the TPP1 protein (p.Asn562Ser). This variant is not present in population databases (gnomAD no frequency). This variant has not been reported in the literature in individuals affected with TPP1-related conditions. Invitae Evidence Modeling of protein sequence and biophysical properties (such as structural, functional, and spatial information, amino acid conservation, physicochemical variation, residue mobility, and thermodynamic stability) indicates that this missense variant is not expected to disrupt TPP1 protein function with a negative predictive value of 95%. In summary, the available evidence is currently insufficient to determine the role of this variant in disease. Therefore, it has been classified as a Variant of Uncertain Significance.

NM_000391.4(TPP1):c.1685A>G (p.Asn562Ser)

Gene: TPP1 (tripeptidyl peptidase 1; minus strand). Cytogenetic location: 11p15.4.
Variant type: single nucleotide variant.
Coding change: c.1685A>G on transcript NM_000391.4 (MANE Select); coding-DNA position 1685, A replaced by G.
Protein change: p.Asn562Ser; replaces asparagine 562 with serine.
Molecular consequence: missense variant.
Genome position (GRCh38, 1-based): chr11:6,614,553, T>C on the plus strand (A>G on the coding strand, the complement: TPP1 is on the minus strand). VCF-style: chr11-6614553-T-C. GRCh37 (hg19) VCF-style: chr11-6635784-T-C.
Other names: short protein forms N562S.
Identifiers: ClinVar variation 4797691 (VCV004797691.1).